The following is an entry in ClinVar:

ClinVar aggregate classification (germline): Benign (1 of 4 stars; one submission).

Conditions:
Congenital stromal corneal dystrophy (CSCD). Identifiers: Orphanet 101068, MedGen C1864738, MONDO:0012401, OMIM 610048.

Allele frequency attached by ClinVar (database versions not stated): gnomAD 0.00010 and 0.00011; gnomAD exomes 0.00011; TOPMed 0.00011; 1000 Genomes Project 0.00040; 1000 Genomes Project 30x 0.00047.
gnomAD v4.1: 103 of 986,384 alleles (0.01%); highest among the groups gnomAD compares: East Asian, 0.25%; no homozygotes.

Submission:

Illumina Laboratory Services, Illumina
Classification: Benign for Congenital stromal corneal dystrophy. Last evaluated: 2018-01-13. Review status: criteria provided, single submitter. Criteria: ICSL Variant Classification Criteria 13 December 2019. Collection method: clinical testing. Allele origin: germline.
Comment: This variant was observed in the ICSL laboratory as part of a predisposition screen in an ostensibly healthy population. It had not been previously curated by ICSL or reported in the Human Gene Mutation Database (HGMD: prior to June 1st, 2018), and was therefore a candidate for classification through an automated scoring system. Utilizing variant allele frequency, disease prevalence and penetrance estimates, and inheritance mode, an automated score was calculated to assess if this variant is too frequent to cause the disease. Based on the score and internal cut-off values, a variant classified as benign is not then subjected to further curation. The score for this variant resulted in a classification of benign for this disease.

NM_001920.5(DCN):c.*105G>A

Gene: DCN (decorin; minus strand). Cytogenetic location: 12q21.33.
Variant type: single nucleotide variant.
Coding change: c.*105G>A on transcript NM_001920.5 (MANE Select); 105 bases downstream of the stop codon, G replaced by A.
Molecular consequence: 3 prime UTR variant.
Genome position (GRCh38, 1-based): chr12:91,145,953, C>T on the plus strand (G>A on the coding strand, the complement: DCN is on the minus strand). VCF-style: chr12-91145953-C-T. GRCh37 (hg19) VCF-style: chr12-91539730-C-T.
Other names: c.*105G>A (NM_133503.4, NM_133504.3, NM_133505.3 and 1 more transcripts); c.*283G>A (NM_133507.3).
Identifiers: ClinVar variation 310649 (VCV000310649.5), dbSNP rs191434778, ClinGen allele CA10643531.